The following is an entry in ClinVar:

ClinVar aggregate classification (germline): Uncertain significance (1 of 4 stars; one submission).

Conditions:
Arrhythmogenic right ventricular cardiomyopathy (ARVD). Also called: Arrhythmogenic right ventricular dysplasia; Cardiomyopathy, ARVC; Arrhythmogenic cardiomyopathy; Arrhythmogenic Right Ventricular Cardiomyopathy (ARVC). Identifiers: Orphanet 247, MedGen C0349788, MeSH D019571, MONDO:0016587. Disease mechanism: loss of function. Inheritance: Various modes of inheritance.

Submission:

All of Us Research Program, National Institutes of Health
Classification: Uncertain significance for Arrhythmogenic right ventricular cardiomyopathy. Last evaluated: 2024-04-16. Review status: criteria provided, single submitter. Criteria: ACMG Guidelines, 2015. Collection method: clinical testing. Allele origin: germline. Inheritance: Autosomal dominant inheritance. Observed: 1 variant allele, 1 heterozygote.
Comment: This missense variant replaces phenylalanine with leucine at codon 99 of the DSG2 protein. Computational prediction suggests that this variant may not impact protein structure and function (internally defined REVEL score threshold <= 0.5, PMID: 27666373). To our knowledge, functional studies have not been reported for this variant. This variant has not been reported in individuals affected with DSG2-related disorders in the literature. This variant has not been identified in the general population by the Genome Aggregation Database (gnomAD). The available evidence is insufficient to determine the role of this variant in disease conclusively. Therefore, this variant is classified as a Variant of Uncertain Significance.

This study involves interpretation of variants in research participants for the purpose of population health screening. Participant phenotype was not available at the time of variant classification. Additional details can be found in publication PMID: 35346344, PMCID: PMC8962531

NM_001943.5(DSG2):c.295T>C (p.Phe99Leu)

Gene: DSG2 (desmoglein 2; plus strand). Cytogenetic location: 18q12.1.
Variant type: single nucleotide variant.
Coding change: c.295T>C on transcript NM_001943.5 (MANE Select); coding-DNA position 295, T replaced by C.
Protein change: p.Phe99Leu; replaces phenylalanine 99 with leucine.
Molecular consequence: missense variant.
Genome position (GRCh38, 1-based): chr18:31,520,881, T>C. VCF-style: chr18-31520881-T-C. GRCh37 (hg19) VCF-style: chr18-29100844-T-C.
Other names: short protein forms F99L.
Identifiers: ClinVar variation 3386569 (VCV003386569.1).
Genomic context (GRCh38, chr18:31,520,881, plus strand): 5'-GAAGAAAGAGGACTCAAAATTACTTACAAATACACTGGAAAAGGGATTACAGAGCCACCT[T>C]TTGGTATATTTGTCTTTAACAAAGATACTGGAGAACTGAATGTTACCAGCATTCTTGATC-3'
Protein context (NP_001934.2, residues 89-109): YTGKGITEPP[Phe99Leu]GIFVFNKDTG